The following is an entry in ClinVar:

ClinVar aggregate classification (germline): Uncertain significance (1 of 4 stars; one submission).

Conditions:
Familial focal epilepsy with variable foci (FPEVF). Identifiers: Orphanet 98820, MedGen C1858477, MONDO:0020310.

Submission:

Labcorp Genetics (formerly Invitae), Labcorp
Classification: Uncertain significance for Familial focal epilepsy with variable foci. Last evaluated: 2025-06-01. Review status: criteria provided, single submitter. Criteria: Invitae Variant Classification Sherloc (09022015). Collection method: clinical testing. Allele origin: germline.
Comment: This sequence change replaces glutamic acid, which is acidic and polar, with alanine, which is neutral and non-polar, at codon 559 of the DEPDC5 protein (p.Glu559Ala). This variant is not present in population databases (gnomAD no frequency). This variant has not been reported in the literature in individuals affected with DEPDC5-related conditions. Experimental studies and prediction algorithms are not available or were not evaluated, and the functional significance of this variant is currently unknown. In summary, the available evidence is currently insufficient to determine the role of this variant in disease. Therefore, it has been classified as a Variant of Uncertain Significance.

NM_001242896.3(DEPDC5):c.1676A>C (p.Glu559Ala)

Gene: DEPDC5 (DEP domain containing 5, GATOR1 subcomplex subunit; plus strand). Cytogenetic location: 22q12.3.
Variant type: single nucleotide variant.
Coding change: c.1676A>C on transcript NM_001242896.3 (MANE Select); coding-DNA position 1676, A replaced by C.
Protein change: p.Glu559Ala; replaces glutamic acid 559 with alanine.
Molecular consequence: missense variant. On other transcripts: non-coding transcript variant (5).
Genome position (GRCh38, 1-based): chr22:31,819,031, A>C. VCF-style: chr22-31819031-A-C. GRCh37 (hg19) VCF-style: chr22-32215017-A-C.
Other names: c.1676A>C, p.Glu559Ala (NM_001136029.4, NM_001242897.2, NM_001363852.2 and 6 more transcripts); c.1592A>C, p.Glu531Ala (NM_001369901.1, NM_001369902.1); short protein forms E531A, E559A.
Identifiers: ClinVar variation 4733457 (VCV004733457.1).